The following is an entry in ClinVar:

ClinVar aggregate classification (germline): Uncertain significance. Review status: criteria provided, multiple submitters, no conflicts (2 of 4 stars). 2 submissions from 2 submitters: Uncertain significance (2). Last evaluated 2022-11-18.

Conditions:
Ectodermal dysplasia 10A, hypohidrotic/hair/nail type, autosomal dominant (ECTD10A). Also called: Ectodermal Dysplasia 3, Anhidrotic. Identifiers: Orphanet 1810, Orphanet 238468, MedGen C3888065, MONDO:0007509, OMIM 129490.
Autosomal recessive hypohidrotic ectodermal dysplasia syndrome. Also called: Autosomal recessive hypohidrotic ectodermal dysplasia. Identifiers: Orphanet 248, MedGen C0406702, MONDO:0016619.

Allele frequency attached by ClinVar (database versions not stated): gnomAD 0.00001.
gnomAD v4.1: 8 of 1,614,090 alleles (0.0005%); highest among the groups gnomAD compares: African/African-American, 0.0027%; no homozygotes.

Submissions (2):

GeneDx
Classification: Uncertain significance. Last evaluated: 2022-11-18. Review status: criteria provided, single submitter. Criteria: GeneDx Variant Classification Process June 2021. Collection method: clinical testing. Allele origin: germline. Affected: yes.
Comment: Missense variants in this gene are often considered pathogenic (HGMD); In silico analysis supports that this missense variant does not alter protein structure/function; Has not been previously published as pathogenic or benign to our knowledge

Labcorp Genetics (formerly Invitae), Labcorp
Classification: Uncertain significance for Ectodermal dysplasia 10A, hypohidrotic/hair/nail type, autosomal dominant; Autosomal recessive hypohidrotic ectodermal dysplasia syndrome. Last evaluated: 2021-01-18. Review status: criteria provided, single submitter. Criteria: Invitae Variant Classification Sherloc (09022015). Collection method: clinical testing. Allele origin: germline.
Comment: This sequence change replaces valine with methionine at codon 336 of the EDAR protein (p.Val336Met). The valine residue is highly conserved and there is a small physicochemical difference between valine and methionine. This variant is not present in population databases (ExAC no frequency). This variant has not been reported in the literature in individuals with EDAR-related conditions. Algorithms developed to predict the effect of missense changes on protein structure and function are either unavailable or do not agree on the potential impact of this missense change (SIFT: "Deleterious"; PolyPhen-2: "Probably Damaging"; Align-GVGD: "Class C0"). In summary, the available evidence is currently insufficient to determine the role of this variant in disease. Therefore, it has been classified as a Variant of Uncertain Significance.

NM_022336.4(EDAR):c.1006G>A (p.Val336Met)

Genes: EDAR (ectodysplasin A receptor; minus strand), RANBP2 (RAN binding protein 2; plus strand). Cytogenetic location: 2q13.
Variant type: single nucleotide variant.
Coding change: c.1006G>A on transcript NM_022336.4 (MANE Select); coding-DNA position 1006, G replaced by A.
Protein change: p.Val336Met; replaces valine 336 with methionine.
Molecular consequence: missense variant.
Genome position (GRCh38, 1-based): chr2:108,906,326, C>T on the plus strand (G>A on the coding strand, the complement: EDAR is on the minus strand). VCF-style: chr2-108906326-C-T. GRCh37 (hg19) VCF-style: chr2-109522782-C-T.
Other names: short protein forms V336M.
Identifiers: ClinVar variation 1001812 (VCV001001812.12), dbSNP rs1300767499, ClinGen allele CA348050414.